The following is an entry in ClinVar:

ClinVar aggregate classification (germline): Uncertain significance (1 of 4 stars; one submission).

Conditions:
Periodic fever-infantile enterocolitis-autoinflammatory syndrome. Also called: Autoinflammation with infantile enterocolitis. Identifiers: Orphanet 436166, MedGen C4015067, MONDO:0014472, OMIM 616050.
Familial cold autoinflammatory syndrome 4 (FCAS4). Identifiers: Orphanet 47045, Orphanet 576349, MedGen C4015276, MONDO:0014498, OMIM 616115.

Submission:

Labcorp Genetics (formerly Invitae), Labcorp
Classification: Uncertain significance for Periodic fever-infantile enterocolitis-autoinflammatory syndrome; Familial cold autoinflammatory syndrome 4. Last evaluated: 2024-08-24. Review status: criteria provided, single submitter. Criteria: Invitae Variant Classification Sherloc (09022015). Collection method: clinical testing. Allele origin: germline.
Comment: This sequence change replaces leucine, which is neutral and non-polar, with valine, which is neutral and non-polar, at codon 220 of the NLRC4 protein (p.Leu220Val). This variant is not present in population databases (gnomAD no frequency). This variant has not been reported in the literature in individuals affected with NLRC4-related conditions. Invitae Evidence Modeling of protein sequence and biophysical properties (such as structural, functional, and spatial information, amino acid conservation, physicochemical variation, residue mobility, and thermodynamic stability) indicates that this missense variant is expected to disrupt NLRC4 protein function with a positive predictive value of 80%. In summary, the available evidence is currently insufficient to determine the role of this variant in disease. Therefore, it has been classified as a Variant of Uncertain Significance.

NM_001199138.2(NLRC4):c.658C>G (p.Leu220Val)

Gene: NLRC4 (NLR family CARD domain containing 4; minus strand). Cytogenetic location: 2p22.3.
Variant type: single nucleotide variant.
Coding change: c.658C>G on transcript NM_001199138.2 (MANE Select); coding-DNA position 658, C replaced by G.
Protein change: p.Leu220Val; replaces leucine 220 with valine.
Molecular consequence: missense variant. On other transcripts: intron variant (1).
Genome position (GRCh38, 1-based): chr2:32,251,206, G>C on the plus strand (C>G on the coding strand, the complement: NLRC4 is on the minus strand). VCF-style: chr2-32251206-G-C. GRCh37 (hg19) VCF-style: chr2-32476275-G-C.
Other names: c.658C>G, p.Leu220Val (NM_001199139.2, NM_021209.5); c.262+1213C>G (NM_001302504.1); short protein forms L220V.
Identifiers: ClinVar variation 3757818 (VCV003757818.2).